The following is an entry in ClinVar:

NM_021076.4(NEFH):c.1784C>T (p.Pro595Leu)

Gene: NEFH (neurofilament heavy chain; plus strand). Cytogenetic location: 22q12.2.
Variant type: single nucleotide variant.
Coding change: c.1784C>T on transcript NM_021076.4 (MANE Select); coding-DNA position 1784, C replaced by T.
Protein change: p.Pro595Leu; replaces proline 595 with leucine.
Molecular consequence: missense variant.
Genome position (GRCh38, 1-based): chr22:29,489,424, C>T. VCF-style: chr22-29489424-C-T. GRCh37 (hg19) VCF-style: chr22-29885413-C-T.
Other names: short protein forms P595L.
Identifiers: ClinVar variation 1432451 (VCV001432451.36), dbSNP rs760914507, ClinGen allele CA10174276.

ClinVar aggregate classification (germline): Uncertain significance. Review status: criteria provided, multiple submitters, no conflicts (2 of 4 stars). 2 submissions from 2 submitters: Uncertain significance (2). Last evaluated 2024-02-25.

Allele frequency attached by ClinVar (database versions not stated): ExAC 0.00002; gnomAD exomes 0.00002 and 0.00004; TOPMed 0.00002; gnomAD 0.00003 and 0.00004.

Submissions (2):

Labcorp Genetics (formerly Invitae), Labcorp
Classification: Uncertain significance. Last evaluated: 2024-02-25. Review status: criteria provided, single submitter. Criteria: Invitae Variant Classification Sherloc (09022015). Collection method: clinical testing. Allele origin: germline.
Comment: This sequence change replaces proline, which is neutral and non-polar, with leucine, which is neutral and non-polar, at codon 595 of the NEFH protein (p.Pro595Leu). This variant is present in population databases (rs760914507, gnomAD 0.02%). This variant has not been reported in the literature in individuals affected with NEFH-related conditions. ClinVar contains an entry for this variant (Variation ID: 1432451). Experimental studies and prediction algorithms are not available or were not evaluated, and the functional significance of this variant is currently unknown. In summary, the available evidence is currently insufficient to determine the role of this variant in disease. Therefore, it has been classified as a Variant of Uncertain Significance.

CeGaT Center for Human Genetics Tuebingen
Classification: Uncertain significance. Last evaluated: 2022-12-01. Review status: criteria provided, single submitter. Criteria: CeGaT Center For Human Genetics Tuebingen Variant Classification Criteria Version 2. Collection method: clinical testing. Allele origin: germline. Affected: yes. Observed: 1 variant allele.